The following is an entry in ClinVar:

ClinVar aggregate classification (germline): Pathogenic/Likely pathogenic. Review status: criteria provided, multiple submitters, no conflicts (2 of 4 stars). 2 submissions from 2 submitters: Pathogenic (1); Likely pathogenic (1). Last evaluated 2023-06-28.

Conditions:
Combined malonic and methylmalonic acidemia. Identifiers: Orphanet 289504, MedGen C3280314, MONDO:0013661, OMIM 614265.

Allele frequency attached by ClinVar (database versions not stated): gnomAD exomes below 0.00001 and 0.00001; TOPMed below 0.00001; ExAC 0.00001; gnomAD 0.00001.

Submissions (2):

Baylor Genetics
Classification: Likely pathogenic for Combined malonic and methylmalonic acidemia. Last evaluated: 2023-06-28. Review status: criteria provided, single submitter. Criteria: ACMG Guidelines, 2015. Collection method: clinical testing. Allele origin: unknown.

Labcorp Genetics (formerly Invitae), Labcorp
Classification: Pathogenic for Combined malonic and methylmalonic acidemia. Last evaluated: 2022-10-04. Review status: criteria provided, single submitter. Criteria: Invitae Variant Classification Sherloc (09022015). Collection method: clinical testing. Allele origin: germline.
Comment: For these reasons, this variant has been classified as Pathogenic. ClinVar contains an entry for this variant (Variation ID: 657796). This premature translational stop signal has been observed in individual(s) with clinical features of combined malonic and methylmalonic aciduria (Invitae). This variant is present in population databases (rs760759040, gnomAD 0.009%). This sequence change creates a premature translational stop signal (p.Cys102Serfs*16) in the ACSF3 gene. It is expected to result in an absent or disrupted protein product. Loss-of-function variants in ACSF3 are known to be pathogenic (PMID: 21841779, 26827111).

Literature cited by the submitters: PubMed 21841779 (cited by Labcorp Genetics (formerly Invitae), Labcorp); PubMed 26827111 (cited by Labcorp Genetics (formerly Invitae), Labcorp).

NM_001243279.3(ACSF3):c.305del (p.Cys102fs)

Gene: ACSF3 (acyl-CoA synthetase family member 3; plus strand). Cytogenetic location: 16q24.3.
Variant type: Deletion.
Coding change: c.305del on transcript NM_001243279.3 (MANE Select); coding-DNA position 305, one base deleted (G; older notation c.305delG).
Protein change: p.Cys102fs; shifts the reading frame from cysteine 102.
Molecular consequence: frameshift variant. On other transcripts: non-coding transcript variant (3), intron variant (1).
Genome position (GRCh38, 1-based): chr16:89,100,986, G deleted. VCF-style (leftmost placement, unchanged base first): chr16-89100985-TG-T. GRCh37 (hg19) VCF-style: chr16-89167393-TG-T.
Other names: c.305del, p.Cys102fs (NM_001127214.4, NM_174917.5); c.-129-1618del (NM_001284316.2); short protein forms C102fs.
Identifiers: ClinVar variation 657796 (VCV000657796.9), dbSNP rs760759040, ClinGen allele CA8237606.